The following is an entry in ClinVar:

NM_000059.4(BRCA2):c.2678A>C (p.Gln893Pro)

Gene: BRCA2 (BRCA2 DNA repair associated; plus strand). Cytogenetic location: 13q13.1.
Variant type: single nucleotide variant.
Coding change: c.2678A>C on transcript NM_000059.4 (MANE Select); coding-DNA position 2678, A replaced by C.
Protein change: p.Gln893Pro; replaces glutamine 893 with proline.
Molecular consequence: missense variant. On other transcripts: non-coding transcript variant (1), intron variant (2).
Genome position (GRCh38, 1-based): chr13:32,337,033, A>C. VCF-style: chr13-32337033-A-C. GRCh37 (hg19) VCF-style: chr13-32911170-A-C.
Other names: c.2678A>C, p.Gln893Pro (NM_001406719.1, NM_001406720.1, NM_001432077.1); c.1909+3646A>C (NM_001406721.1); c.424+6003A>C (NM_001406722.1); short protein forms Q893P.
Identifiers: ClinVar variation 3825429 (VCV003825429.1).
Genomic context (GRCh38, chr13:32,337,033, plus strand): 5'-TAACTGTCAATCCAGACTCTGAAGAACTTTTCTCAGACAATGAGAATAATTTTGTCTTCC[A>C]AGTAGCTAATGAAAGGAATAATCTTGCTTTAGGAAATACTAAGGAACTTCATGAAACAGA-3'
Protein context (NP_000050.3, residues 883-903): FSDNENNFVF[Gln893Pro]VANERNNLAL

ClinVar aggregate classification (germline): Uncertain significance (1 of 4 stars; one submission).

Conditions:
Hereditary cancer-predisposing syndrome. Also called: Hereditary neoplastic syndrome; Neoplastic Syndromes, Hereditary; Tumor predisposition; Hereditary Cancer Syndrome. Identifiers: Orphanet 140162, MedGen C0027672, MeSH D009386, MONDO:0015356.

Submission:

Ambry Genetics
Classification: Uncertain significance for Hereditary cancer-predisposing syndrome. Last evaluated: 2025-01-10. Review status: criteria provided, single submitter. Criteria: Ambry Variant Classification Scheme 2023. Collection method: clinical testing. Allele origin: germline.
Comment: The p.Q893P variant (also known as c.2678A>C), located in coding exon 10 of the BRCA2 gene, results from an A to C substitution at nucleotide position 2678. The glutamine at codon 893 is replaced by proline, an amino acid with similar properties. This amino acid position is conserved. In addition, the in silico prediction for this alteration is inconclusive. Based on the available evidence, the clinical significance of this variant remains unclear.